The following is an entry in ClinVar:

ClinVar aggregate classification (germline): Benign (1 of 4 stars; one submission).

Conditions:
Familial cancer of breast. Also called: Hereditary breast cancer; hereditary breast carcinoma; BREAST CANCER, FAMILIAL. Identifiers: Orphanet 227535, MedGen C0346153, MONDO:0016419, OMIM 114480. Disease mechanism: loss of function.

Submission:

Myriad Genetics, Inc.
Classification: Benign for Familial cancer of breast. Last evaluated: 2025-01-10. Review status: criteria provided, single submitter. Criteria: Myriad Autosomal Dominant, Autosomal Recessive and X-Linked Classification Criteria (2023). Collection method: clinical testing. Allele origin: unknown.
Comment: This variant is considered benign. This variant is a silent/synonymous amino acid change and it is not expected to impact splicing.

NM_024675.4(PALB2):c.891T>C (p.Thr297=)

Gene: PALB2 (partner and localizer of BRCA2; minus strand). Cytogenetic location: 16p12.2.
Variant type: single nucleotide variant.
Coding change: c.891T>C on transcript NM_024675.4 (MANE Select); coding-DNA position 891, T replaced by C.
Protein change: p.Thr297=; no amino-acid change (threonine 297 retained).
Molecular consequence: synonymous variant. On other transcripts: intron variant (3).
Genome position (GRCh38, 1-based): chr16:23,635,655, A>G on the plus strand (T>C on the coding strand, the complement: PALB2 is on the minus strand). VCF-style: chr16-23635655-A-G. GRCh37 (hg19) VCF-style: chr16-23646976-A-G.
Other names: c.831T>C, p.Thr277= (NM_001407296.1); c.891T>C, p.Thr297= (NM_001407297.1, NM_001407298.1, NM_001407299.1 and 3 more transcripts); c.6T>C, p.Thr2= (NM_001407304.1, NM_001407305.1, NM_001407306.1 and 5 more transcripts); c.48+5455T>C (NM_001407314.1); c.-104-5186T>C (NM_001407313.1, NM_001407312.1).
Identifiers: ClinVar variation 3903461 (VCV003903461.1).